The following is an entry in ClinVar:

ClinVar aggregate classification (germline): Uncertain significance (1 of 4 stars; one submission).

Conditions:
Hereditary sensory and autonomic neuropathy type 6. Also called: HSAN VI; Neuropathy, hereditary sensory and autonomic, type VI. Identifiers: Orphanet 314381, MedGen C3539003, MONDO:0013839, OMIM 614653.
Epidermolysis bullosa simplex 3, localized or generalized intermediate, with BP230 deficiency (EBS3). Also called: Epidermolysis bullosa simplex, autosomal recessive 2; Epidermolysis bullosa simplex due to BP230 deficiency. Identifiers: Orphanet 412181, MedGen C3809470, MONDO:0014180, OMIM 615425.

Allele frequency attached by ClinVar (database versions not stated): gnomAD exomes below 0.00001.
gnomAD v4.1: 5 of 1,611,096 alleles (0.00031%); highest among the groups gnomAD compares: Non-Finnish European, 0.00042%; no homozygotes.

Submission:

Labcorp Genetics (formerly Invitae), Labcorp
Classification: Uncertain significance for Epidermolysis bullosa simplex 3, localized or generalized intermediate, with BP230 deficiency; Hereditary sensory and autonomic neuropathy type 6. Last evaluated: 2022-09-03. Review status: criteria provided, single submitter. Criteria: Invitae Variant Classification Sherloc (09022015). Collection method: clinical testing. Allele origin: germline.
Comment: The DST gene has multiple clinically relevant transcripts. This variant occurs in alternate transcript NM_015548.4, and corresponds to NM_001723.5:c.*1113A>G in the primary transcript. This sequence change affects codon 1133 of the DST mRNA. It is a 'silent' change, meaning that it does not change the encoded amino acid sequence of the DST protein. This variant is not present in population databases (gnomAD no frequency). This variant has not been reported in the literature in individuals affected with DST-related conditions. Experimental studies and prediction algorithms are not available or were not evaluated, and the effect of this variant on mRNA splicing is currently unknown. In summary, the available evidence is currently insufficient to determine the role of this variant in disease. Therefore, it has been classified as a Variant of Uncertain Significance.

NM_001374736.1(DST):c.5010A>G (p.Thr1670=)

Gene: DST (dystonin; minus strand). Cytogenetic location: 6p12.1.
Variant type: single nucleotide variant.
Coding change: c.5010A>G on transcript NM_001374736.1 (MANE Select); coding-DNA position 5010, A replaced by G.
Protein change: p.Thr1670=; no amino-acid change (threonine 1670 retained).
Molecular consequence: synonymous variant.
Genome position (GRCh38, 1-based): chr6:56,614,404, T>C on the plus strand (A>G on the coding strand, the complement: DST is on the minus strand). VCF-style: chr6-56614404-T-C. GRCh37 (hg19) VCF-style: chr6-56479202-T-C.
Other names: c.4911A>G, p.Thr1637= (NM_001144769.5); c.4497A>G, p.Thr1499= (NM_001144770.2); c.5010A>G, p.Thr1670= (NM_001374722.1); c.4377A>G, p.Thr1459= (NM_001374729.1, NM_001374730.1, NM_001386100.1 and 1 more transcripts); c.5037A>G, p.Thr1679= (NM_001374734.1); c.3399A>G, p.Thr1133= (NM_015548.5).
Identifiers: ClinVar variation 2068829 (VCV002068829.4), dbSNP rs2536548938, ClinGen allele CA450490365.